The following is an entry in ClinVar:

NM_002528.7(NTHL1):c.170G>A (p.Arg57His)

Gene: NTHL1 (nth like DNA glycosylase 1; minus strand). Cytogenetic location: 16p13.3.
Variant type: single nucleotide variant.
Coding change: c.170G>A on transcript NM_002528.7 (MANE Select); coding-DNA position 170, G replaced by A.
Protein change: p.Arg57His; replaces arginine 57 with histidine.
Molecular consequence: missense variant. On other transcripts: 5 prime UTR variant (1).
Genome position (GRCh38, 1-based): chr16:2,046,312, C>T on the plus strand (G>A on the coding strand, the complement: NTHL1 is on the minus strand). VCF-style: chr16-2046312-C-T. GRCh37 (hg19) VCF-style: chr16-2096313-C-T.
Other names: c.170G>A, p.Arg57His (LRG_1366t1, NM_001318193.2); c.-9G>A (NM_001318194.2); short protein forms R57H.
Identifiers: ClinVar variation 653125 (VCV000653125.22), dbSNP rs774831009, ClinGen allele CA7828350.

ClinVar aggregate classification (germline): Conflicting classifications of pathogenicity. Review status: criteria provided, conflicting classifications (1 of 4 stars). 7 submissions from 7 submitters: Uncertain significance (6); Likely benign (1). Last evaluated 2025-08-19.

Conditions:
Familial adenomatous polyposis 3. Also called: NTHL1 Tumor Syndrome; NTHL1-related attenuated familial adenomatous polyposis; NTHL1-associated polyposis; NTHL1-Related Adenomatous Polyposis and Colorectal Cancer. Identifiers: Orphanet 220460, Orphanet 454840, MedGen C4225157, MONDO:0014630, OMIM 616415.
Hereditary cancer-predisposing syndrome. Also called: Neoplastic Syndromes, Hereditary; Tumor predisposition; Hereditary neoplastic syndrome; Hereditary Cancer Syndrome. Identifiers: Orphanet 140162, MedGen C0027672, MeSH D009386, MONDO:0015356.
NTHL1-related disorder. Also called: NTHL1-related conditions; NTHL1-related condition.

Allele frequency attached by ClinVar (database versions not stated): gnomAD 0.00005 and 0.00006; TOPMed 0.00005.

Submissions (7):

GeneDx
Classification: Uncertain significance. Last evaluated: 2025-08-19. Review status: criteria provided, single submitter. Criteria: GeneDx Variant Classification Process June 2021. Collection method: clinical testing. Allele origin: germline. Affected: yes.
Comment: In silico analysis suggests that this missense variant does not alter protein structure/function; Has not been previously published as pathogenic or benign to our knowledge; This variant is associated with the following publications: (PMID: 35273153)

PreventionGenetics, part of Exact Sciences
Classification: Uncertain significance for NTHL1-related condition. Last evaluated: 2025-04-07. Review status: criteria provided, single submitter. Criteria: ACMG Guidelines, 2015. Collection method: clinical testing. Allele origin: germline.
Comment: The NTHL1 c.194G>A variant is predicted to result in the amino acid substitution p.Arg65His. To our knowledge, this variant has not been reported in the literature. This variant is reported in 0.016% of alleles in individuals of East Asian descent in gnomAD and it has conflicting interpretations of likely benign and uncertain significance in ClinVar. At this time, the clinical significance of this variant is uncertain due to the absence of conclusive functional and genetic evidence.

Labcorp Genetics (formerly Invitae), Labcorp
Classification: Uncertain significance. Last evaluated: 2024-12-12. Review status: criteria provided, single submitter. Criteria: Invitae Variant Classification Sherloc (09022015). Collection method: clinical testing. Allele origin: germline.
Comment: This sequence change replaces arginine, which is basic and polar, with histidine, which is basic and polar, at codon 65 of the NTHL1 protein (p.Arg65His). This variant is present in population databases (rs774831009, gnomAD 0.02%). This variant has not been reported in the literature in individuals affected with NTHL1-related conditions. ClinVar contains an entry for this variant (Variation ID: 653125). An algorithm developed to predict the effect of missense changes on protein structure and function outputs the following: PolyPhen-2: "Benign". The histidine amino acid residue is found in multiple mammalian species, which suggests that this missense change does not adversely affect protein function. In summary, the available evidence is currently insufficient to determine the role of this variant in disease. Therefore, it has been classified as a Variant of Uncertain Significance.

Quest Diagnostics Nichols Institute San Juan Capistrano
Classification: Uncertain significance. Last evaluated: 2024-07-25. Review status: criteria provided, single submitter. Criteria: Quest Diagnostics criteria. Collection method: clinical testing. Allele origin: unknown.
Comment: The NTHL1 c.194G>A (p.Arg65His) variant has not been reported in the published literature in the germline state in individuals with an NTHL1-related condition. The frequency of this variant in the general population, 0.00016 (3/18386 chromosomes (Genome Aggregation Database)), is uninformative in the assessment of its pathogenicity. Analysis of this variant using bioinformatics tools for the prediction of the effect of amino acid changes on protein structure and function yielded predictions that this variant is benign. Based on the available information, we are unable to determine the clinical significance of this variant.

Department of Pathology and Laboratory Medicine, Sinai Health System
Classification: Uncertain significance for Familial adenomatous polyposis 3. Last evaluated: 2022-12-07. Review status: criteria provided, single submitter. Criteria: ACMG Guidelines, 2015. Collection method: clinical testing. Allele origin: germline. Affected: yes.

Sema4
Classification: Uncertain significance for Hereditary cancer-predisposing syndrome. Last evaluated: 2021-12-22. Review status: criteria provided, single submitter. Criteria: Sema4 Curation Guidelines. Collection method: curation. Allele origin: germline.
Comment: The NTHL1 c.194G>A (p.R65H) variant has not been reported in the literature to our knowledge. It was observed in 3/18386 chromosomes of the East Asian subpopulation in the large and broad cohorts of the Genome Aggregation Database (PMID: 32461654). The variant has been reported in ClinVar (Variation ID 653125). In silico tools suggest the impact of the variant on protein function is benign, though these predictions have not been confirmed by functional studies. The evidence is insufficient to meet ACMG/AMP criteria for classifying the variant as benign or pathogenic. Thus, the clinical significance of this variant is currently uncertain.

Ambry Genetics
Classification: Likely benign for Hereditary cancer-predisposing syndrome. Last evaluated: 2021-10-14. Review status: criteria provided, single submitter. Criteria: Ambry Variant Classification Scheme 2023. Collection method: clinical testing. Allele origin: germline.

Literature cited by the submitters: PubMed 35273153 (cited by Quest Diagnostics Nichols Institute San Juan Capistrano).